The following is an entry in ClinVar:

NM_000077.5(CDKN2A):c.244G>T (p.Val82Leu)

Gene: CDKN2A (cyclin dependent kinase inhibitor 2A; minus strand). Cytogenetic location: 9p21.3.
Variant type: single nucleotide variant.
Coding change: c.244G>T on transcript NM_000077.5; coding-DNA position 244, G replaced by T.
Protein change: p.Val82Leu; replaces valine 82 with leucine.
Molecular consequence: missense variant (on NM_000077.6). On other transcripts: 3 prime UTR variant (1).
Genome position (GRCh38, 1-based): chr9:21,971,115, C>A on the plus strand (G>T on the coding strand, the complement: CDKN2A is on the minus strand). VCF-style: chr9-21971115-C-A. GRCh37 (hg19) VCF-style: chr9-21971114-C-A.
Other names: c.244G>T, p.Val82Leu (NM_000077.6, NM_001195132.2); c.91G>T, p.Val31Leu (NM_001363763.2); c.287G>T, p.Arg96Leu (NM_058195.4); c.*167G>T (NM_058197.5); short protein forms R96L, V82L, V31L.
Identifiers: ClinVar variation 406718 (VCV000406718.8), dbSNP rs1060501269, ClinGen allele CA16612609.
Genomic context (GRCh38, chr9:21,971,115, plus strand): 5'-CCCCGGCCCGGTGCAGCACCACCAGCGTGTCCAGGAAGCCCTCCCGGGCAGCGTCGTGCA[C>A]GGGTCGGGTGAGAGTGGCGGGGTCGGCGCAGTTGGGCTCCGCGCCGTGGAGCAGCAGCAG-3'
Protein context (NP_000068.1, residues 72-92): CADPATLTRP[Val82Leu]HDAAREGFLD

ClinVar aggregate classification (germline): Uncertain significance (1 of 4 stars; one submission).

Conditions:
Familial melanoma. Also called: Hereditary melanoma; Hereditary cutaneous melanoma. Identifiers: Orphanet 618, MedGen C1512419, MONDO:0018961.

Submission:

Labcorp Genetics (formerly Invitae), Labcorp
Classification: Uncertain significance for Familial melanoma. Last evaluated: 2023-08-20. Review status: criteria provided, single submitter. Criteria: Invitae Variant Classification Sherloc (09022015). Collection method: clinical testing. Allele origin: germline.
Comment: The CDKN2A gene encodes two different proteins, p16INK4a and p14ARF, which are translated from alternative transcripts with different open reading frames. Both transcripts have been analyzed. We report either the variant with the higher classification or default to the CDKN2A (p16INK4a) variant. This report therefore includes the details for the CDKN2A (p16INK4a) variant. This sequence change replaces valine, which is neutral and non-polar, with leucine, which is neutral and non-polar, at codon 82 of the CDKN2A (p16INK4a) protein (p.Val82Leu). This variant is not present in population databases (gnomAD no frequency). This variant has not been reported in the literature in individuals affected with CDKN2A (p16INK4a)-related conditions. This variant is also known as c.287G>T (p.Arg96Leu) in CDKN2A (p14ARF) transcript. ClinVar contains an entry for this variant (Variation ID: 406718). An algorithm developed to predict the effect of missense changes on protein structure and function (PolyPhen-2) suggests that this variant is likely to be tolerated. In summary, the available evidence is currently insufficient to determine the role of this variant in disease. Therefore, it has been classified as a Variant of Uncertain Significance.